The following is an entry in ClinVar:

ClinVar aggregate classification (germline): Benign. Review status: criteria provided, single submitter (1 of 4 stars). 2 submissions from 1 submitter: Benign (2). Last evaluated 2018-01-13.

Conditions:
Charcot-Marie-Tooth disease, type I (CMT1). Also called: Charcot-Marie-Tooth, Type 1; Charcot-Marie-Tooth disease type 1. Identifiers: Orphanet 65753, MedGen C0751036, MONDO:0019011.
Hereditary liability to pressure palsies (HNPP). Also called: POLYNEUROPATHY, FAMILIAL RECURRENT; TOMACULOUS NEUROPATHY; Hereditary Neuropathy with Liability to Pressure Palsies. Identifiers: Orphanet 640, MedGen C0393814, MONDO:0008087, OMIM 162500.

Allele frequency attached by ClinVar (database versions not stated): gnomAD 0.00006 and 0.00014; TOPMed 0.00013; 1000 Genomes Project 0.00080; 1000 Genomes Project 30x 0.00094.

Submissions (2):

Illumina Laboratory Services, Illumina
Classification: Benign for Charcot-Marie-Tooth disease, type I. Last evaluated: 2018-01-13. Review status: criteria provided, single submitter. Criteria: ICSL Variant Classification Criteria 13 December 2019. Collection method: clinical testing. Allele origin: germline.
Comment: This variant was observed in the ICSL laboratory as part of a predisposition screen in an ostensibly healthy population. It had not been previously curated by ICSL or reported in the Human Gene Mutation Database (HGMD: prior to June 1st, 2018), and was therefore a candidate for classification through an automated scoring system. Utilizing variant allele frequency, disease prevalence and penetrance estimates, and inheritance mode, an automated score was calculated to assess if this variant is too frequent to cause the disease. Based on the score and internal cut-off values, a variant classified as benign is not then subjected to further curation. The score for this variant resulted in a classification of benign for this disease.

Illumina Laboratory Services, Illumina
Classification: Benign for Hereditary liability to pressure palsies. Last evaluated: 2018-01-13. Review status: criteria provided, single submitter. Criteria: ICSL Variant Classification Criteria 13 December 2019. Collection method: clinical testing. Allele origin: germline.
Comment: the same text as in the submission from Illumina Laboratory Services, Illumina above.

NM_000304.4(PMP22):c.*890C>T

Gene: PMP22 (peripheral myelin protein 22; minus strand). Cytogenetic location: 17p12.
Variant type: single nucleotide variant.
Coding change: c.*890C>T on transcript NM_000304.4 (MANE Select); 890 bases downstream of the stop codon, C replaced by T.
Molecular consequence: 3 prime UTR variant. On other transcripts: non-coding transcript variant (2).
Genome position (GRCh38, 1-based): chr17:15,230,027, G>A on the plus strand (C>T on the coding strand, the complement: PMP22 is on the minus strand). VCF-style: chr17-15230027-G-A. GRCh37 (hg19) VCF-style: chr17-15133344-G-A.
Other names: c.*890C>T (NM_001281455.2, NM_001281456.2, NM_153321.3 and 1 more transcripts).
Identifiers: ClinVar variation 890503 (VCV000890503.4), dbSNP rs546778557, ClinGen allele CA288864410.